The following is an entry in ClinVar:

ClinVar aggregate classification (germline): Uncertain significance (1 of 4 stars; one submission).

Conditions:
Congenital myasthenic syndrome 8. Also called: Myasthenic syndrome, congenital, 8, with pre- and postsynaptic defects; MYASTHENIC SYNDROME, CONGENITAL, DUE TO AGRIN DEFICIENCY. Identifiers: Orphanet 590, MedGen C3808739, MONDO:0014052, OMIM 615120.

Allele frequency attached by ClinVar (database versions not stated): TOPMed 0.00001; gnomAD 0.00001.
gnomAD v4.1: 3 of 1,605,636 alleles (0.00019%); highest among the groups gnomAD compares: Admixed American, 0.0051%; no homozygotes.

Submission:

Labcorp Genetics (formerly Invitae), Labcorp
Classification: Uncertain significance for Congenital myasthenic syndrome 8. Last evaluated: 2023-11-02. Review status: criteria provided, single submitter. Criteria: Invitae Variant Classification Sherloc (09022015). Collection method: clinical testing. Allele origin: germline.
Comment: This sequence change replaces phenylalanine, which is neutral and non-polar, with serine, which is neutral and polar, at codon 1247 of the AGRN protein (p.Phe1247Ser). This variant is present in population databases (no rsID available, gnomAD 0.003%). This variant has not been reported in the literature in individuals affected with AGRN-related conditions. ClinVar contains an entry for this variant (Variation ID: 2053662). An algorithm developed to predict the effect of missense changes on protein structure and function (PolyPhen-2) suggests that this variant is likely to be tolerated. In summary, the available evidence is currently insufficient to determine the role of this variant in disease. Therefore, it has been classified as a Variant of Uncertain Significance.

NM_198576.4(AGRN):c.3740T>C (p.Phe1247Ser)

Gene: AGRN (agrin; plus strand). Cytogenetic location: 1p36.33.
Variant type: single nucleotide variant.
Coding change: c.3740T>C on transcript NM_198576.4 (MANE Select); coding-DNA position 3740, T replaced by C.
Protein change: p.Phe1247Ser; replaces phenylalanine 1247 with serine.
Molecular consequence: missense variant.
Genome position (GRCh38, 1-based): chr1:1,047,884, T>C. VCF-style: chr1-1047884-T-C. GRCh37 (hg19) VCF-style: chr1-983264-T-C.
Other names: c.3740T>C, p.Phe1247Ser (NM_001305275.2); c.3425T>C, p.Phe1142Ser (NM_001364727.2); short protein forms F1247S, F1142S.
Identifiers: ClinVar variation 2053662 (VCV002053662.4), dbSNP rs1052085783, ClinGen allele CA16760010.